The following is an entry in ClinVar:

ClinVar aggregate classification (germline): Conflicting classifications of pathogenicity. Review status: criteria provided, conflicting classifications (1 of 4 stars). 2 submissions from 2 submitters: Uncertain significance (1); Likely benign (1). Last evaluated 2024-11-14.

Conditions:
Inborn genetic diseases. Identifiers: MedGen C0950123, MeSH D030342.
Spastic paraplegia. Identifiers: MedGen C0037772, HP:0001258.

Allele frequency attached by ClinVar (database versions not stated): TOPMed below 0.00001; gnomAD exomes 0.00001; ExAC 0.00002; gnomAD 0.00002.

Submissions (2):

Ambry Genetics
Classification: Likely benign for Inborn genetic diseases. Last evaluated: 2024-11-14. Review status: criteria provided, single submitter. Criteria: Ambry Variant Classification Scheme 2023. Collection method: clinical testing. Allele origin: germline.

Labcorp Genetics (formerly Invitae), Labcorp
Classification: Uncertain significance for Spastic paraplegia. Last evaluated: 2022-04-11. Review status: criteria provided, single submitter. Criteria: Invitae Variant Classification Sherloc (09022015). Collection method: clinical testing. Allele origin: germline.
Comment: In summary, the available evidence is currently insufficient to determine the role of this variant in disease. Therefore, it has been classified as a Variant of Uncertain Significance. This sequence change replaces arginine, which is basic and polar, with cysteine, which is neutral and slightly polar, at codon 405 of the GBA2 protein (p.Arg405Cys). This variant is present in population databases (rs769812175, gnomAD 0.01%). This variant has not been reported in the literature in individuals affected with GBA2-related conditions. Algorithms developed to predict the effect of missense changes on protein structure and function output the following: SIFT: "Tolerated"; PolyPhen-2: "Benign"; Align-GVGD: "Class C0". The cysteine amino acid residue is found in multiple mammalian species, which suggests that this missense change does not adversely affect protein function.

NM_020944.3(GBA2):c.1213C>T (p.Arg405Cys)

Gene: GBA2 (glucosylceramidase beta 2; minus strand). Cytogenetic location: 9p13.3.
Variant type: single nucleotide variant.
Coding change: c.1213C>T on transcript NM_020944.3 (MANE Select); coding-DNA position 1213, C replaced by T.
Protein change: p.Arg405Cys; replaces arginine 405 with cysteine.
Molecular consequence: missense variant.
Genome position (GRCh38, 1-based): chr9:35,740,279, G>A on the plus strand (C>T on the coding strand, the complement: GBA2 is on the minus strand). VCF-style: chr9-35740279-G-A. GRCh37 (hg19) VCF-style: chr9-35740276-G-A.
Other names: c.1213C>T, p.Arg405Cys (NM_001330660.2); c.1213C>T (NM_020944.2); short protein forms R405C.
Identifiers: ClinVar variation 1928134 (VCV001928134.6), dbSNP rs769812175, ClinGen allele CA5050480.